The following is an entry in ClinVar:

NM_000038.6(APC):c.2537C>T (p.Ser846Phe)

Gene: APC (APC regulator of Wnt signaling pathway; plus strand). Cytogenetic location: 5q22.2.
Variant type: single nucleotide variant.
Coding change: c.2537C>T on transcript NM_000038.6 (MANE Select); coding-DNA position 2537, C replaced by T.
Protein change: p.Ser846Phe; replaces serine 846 with phenylalanine.
Molecular consequence: missense variant. On other transcripts: non-coding transcript variant (2).
Genome position (GRCh38, 1-based): chr5:112,838,131, C>T. VCF-style: chr5-112838131-C-T. GRCh37 (hg19) VCF-style: chr5-112173828-C-T.
Other names: c.2537C>T, p.Ser846Phe (NM_001127510.3, NM_001354895.2, NM_001407450.1); c.2483C>T, p.Ser828Phe (NM_001127511.3); c.2591C>T, p.Ser864Phe (NM_001354896.2, NM_001407447.1, NM_001407448.1 and 1 more transcripts); c.2567C>T, p.Ser856Phe (NM_001354897.2); c.2462C>T, p.Ser821Phe (NM_001354898.2); c.2453C>T, p.Ser818Phe (NM_001354899.2); c.2414C>T, p.Ser805Phe (NM_001354900.2); c.2360C>T, p.Ser787Phe (NM_001354901.2, NM_001407453.1); and 11 more; short protein forms S462F, S717F, S745F, S787F, S805F, S839F, S563F, S755F.
Identifiers: ClinVar variation 3411766 (VCV003411766.1).

ClinVar aggregate classification (germline): Uncertain significance (1 of 4 stars; one submission).

Conditions:
Hereditary cancer-predisposing syndrome. Also called: Neoplastic Syndromes, Hereditary; Tumor predisposition; Hereditary Cancer Syndrome; Hereditary neoplastic syndrome. Identifiers: Orphanet 140162, MedGen C0027672, MeSH D009386, MONDO:0015356.

Submission:

Ambry Genetics
Classification: Uncertain significance for Hereditary cancer-predisposing syndrome. Last evaluated: 2024-10-17. Review status: criteria provided, single submitter. Criteria: Ambry Variant Classification Scheme 2023. Collection method: clinical testing. Allele origin: germline.
Comment: The p.S846F variant (also known as c.2537C>T), located in coding exon 15 of the APC gene, results from a C to T substitution at nucleotide position 2537. The serine at codon 846 is replaced by phenylalanine, an amino acid with highly dissimilar properties. This amino acid position is conserved. In addition, in silico predictors for this gene do not accurately predict pathogenicity. Based on the available evidence, the clinical significance of this variant remains unclear.